The following is an entry in ClinVar:

NM_000156.6(GAMT):c.500C>T (p.Thr167Ile)

Gene: GAMT (guanidinoacetate N-methyltransferase; minus strand). Cytogenetic location: 19p13.3.
Variant type: single nucleotide variant.
Coding change: c.500C>T on transcript NM_000156.6 (MANE Select); coding-DNA position 500, C replaced by T.
Protein change: p.Thr167Ile; replaces threonine 167 with isoleucine.
Molecular consequence: missense variant.
Genome position (GRCh38, 1-based): chr19:1,398,986, G>A on the plus strand (C>T on the coding strand, the complement: GAMT is on the minus strand). VCF-style: chr19-1398986-G-A. GRCh37 (hg19) VCF-style: chr19-1398985-G-A.
Other names: c.500C>T, p.Thr167Ile (NM_138924.3); short protein forms T167I.
Identifiers: ClinVar variation 4526044 (VCV004526044.1).

ClinVar aggregate classification (germline): Uncertain significance (1 of 4 stars; one submission).

gnomAD v4.1: 12 of 1,613,404 alleles (0.00074%); highest among the groups gnomAD compares: African/African-American, 0.0013%; no homozygotes.

Submission:

Women's Health and Genetics/Laboratory Corporation of America, LabCorp
Classification: Uncertain significance. Last evaluated: 2025-07-09. Review status: criteria provided, single submitter. Criteria: LabCorp Variant Classification Summary - May 2015. Collection method: clinical testing. Allele origin: germline.
Comment: Variant summary: GAMT c.500C>T (p.Thr167Ile) results in a non-conservative amino acid change in the encoded protein sequence. Algorithms developed to predict the effect of missense changes on protein structure and function all suggest that this variant is likely to be disruptive. The variant was absent in 250924 control chromosomes. The available data on variant occurrences in the general population are insufficient to allow any conclusion about variant significance. To our knowledge, no occurrence of c.500C>T in individuals affected with Cerebral Creatine Deficiency Syndrome 2 has been reported. One publication reports experimental evidence evaluating an impact on protein function. The most pronounced variant effect results in 10%-<30% of normal activity. The following publication have been ascertained in the context of this evaluation (PMID: 26003046). No submitters have cited clinical-significance assessments for this variant to ClinVar. Based on the evidence outlined above, the variant was classified as uncertain significance.

Literature cited by the submitters: PubMed 26003046.